The following is an entry in ClinVar:

NM_005732.4(RAD50):c.1870A>G (p.Ser624Gly)

Gene: RAD50 (RAD50 double strand break repair protein; plus strand). Cytogenetic location: 5q31.1.
Variant type: single nucleotide variant.
Coding change: c.1870A>G on transcript NM_005732.4 (MANE Select); coding-DNA position 1870, A replaced by G.
Protein change: p.Ser624Gly; replaces serine 624 with glycine.
Molecular consequence: missense variant.
Genome position (GRCh38, 1-based): chr5:132,594,945, A>G. VCF-style: chr5-132594945-A-G. GRCh37 (hg19) VCF-style: chr5-131930637-A-G.
Other names: short protein forms S624G.
Identifiers: ClinVar variation 845444 (VCV000845444.10), dbSNP rs1750762993, ClinGen allele CA360947866.

ClinVar aggregate classification (germline): Uncertain significance (1 of 4 stars; one submission).

Conditions:
Hereditary cancer-predisposing syndrome. Also called: Tumor predisposition; Hereditary neoplastic syndrome; Neoplastic Syndromes, Hereditary; Hereditary Cancer Syndrome. Identifiers: Orphanet 140162, MedGen C0027672, MeSH D009386, MONDO:0015356.

Submission:

Labcorp Genetics (formerly Invitae), Labcorp
Classification: Uncertain significance for Hereditary cancer-predisposing syndrome. Last evaluated: 2023-05-02. Review status: criteria provided, single submitter. Criteria: Invitae Variant Classification Sherloc (09022015). Collection method: clinical testing. Allele origin: germline.
Comment: In summary, the available evidence is currently insufficient to determine the role of this variant in disease. Therefore, it has been classified as a Variant of Uncertain Significance. Advanced modeling of protein sequence and biophysical properties (such as structural, functional, and spatial information, amino acid conservation, physicochemical variation, residue mobility, and thermodynamic stability) performed at Invitae indicates that this missense variant is not expected to disrupt RAD50 protein function. ClinVar contains an entry for this variant (Variation ID: 845444). This variant has not been reported in the literature in individuals affected with RAD50-related conditions. This variant is not present in population databases (gnomAD no frequency). This sequence change replaces serine, which is neutral and polar, with glycine, which is neutral and non-polar, at codon 624 of the RAD50 protein (p.Ser624Gly).